The following is an entry in ClinVar:

NM_001035.3(RYR2):c.4063G>T (p.Val1355Leu)

Genes: RYR2 (ryanodine receptor 2; plus strand), LOC126806067 (BRD4-independent group 4 enhancer GRCh37_chr1:237753258-237754457; plus strand). Cytogenetic location: 1q43.
Variant type: single nucleotide variant.
Coding change: c.4063G>T on transcript NM_001035.3 (MANE Select); coding-DNA position 4063, G replaced by T.
Protein change: p.Val1355Leu; replaces valine 1355 with leucine.
Molecular consequence: missense variant.
Genome position (GRCh38, 1-based): chr1:237,590,895, G>T. VCF-style: chr1-237590895-G-T. GRCh37 (hg19) VCF-style: chr1-237754195-G-T.
Other names: short protein forms V1355L.
Identifiers: ClinVar variation 811387 (VCV000811387.8), dbSNP rs1572999842, ClinGen allele CA345397661.

ClinVar aggregate classification (germline): Uncertain significance (1 of 4 stars; one submission).

Submission:

ARUP Laboratories, Molecular Genetics and Genomics, ARUP Laboratories
Classification: Uncertain significance. Last evaluated: 2019-05-02. Review status: criteria provided, single submitter. Criteria: ARUP Molecular Germline Variant Investigation Process. Collection method: clinical testing. Allele origin: germline.
Comment: The RYR2 c.4063G>T; p.Val1355Leu variant, to our knowledge, is not reported in the medical literature or gene specific databases. This variant is also absent from general population databases (Exome Variant Server, Genome Aggregation Database), indicating it is not a common polymorphism. The valine at codon 1355 is highly conserved, but computational analyses (SIFT, PolyPhen-2) predict that this variant is tolerated. Due to limited information, the clinical significance of the p.Val1355Leu variant is uncertain at this time.